The following is an entry in ClinVar:

ClinVar aggregate classification (germline): Uncertain significance. Review status: criteria provided, multiple submitters, no conflicts (2 of 4 stars). 5 submissions from 5 submitters: Uncertain significance (5). Last evaluated 2026-04-10.

Conditions:
AARS1-related disorder. Also called: AARS1-related condition.
Inborn genetic diseases. Identifiers: MedGen C0950123, MeSH D030342.
Charcot-Marie-Tooth disease type 2. Also called: Charcot-Marie-Tooth type 2. Identifiers: Orphanet 64746, MedGen C0270914, MONDO:0018993.

Allele frequency attached by ClinVar (database versions not stated): gnomAD 0.00001; TOPMed 0.00001; ExAC 0.00002; gnomAD exomes 0.00002 and 0.00003.
gnomAD v4.1: 42 of 1,613,972 alleles (0.0026%); highest among the groups gnomAD compares: Non-Finnish European, 0.0031%; no homozygotes.

Submissions (5):

PreventionGenetics, part of Exact Sciences
Classification: Uncertain significance for AARS1-related condition. Last evaluated: 2026-04-10. Review status: criteria provided, single submitter. Criteria: ACMG Guidelines, 2015. Collection method: clinical testing. Allele origin: germline.
Comment: The AARS1 c.1003G>A variant is predicted to result in the amino acid substitution p.Ala335Thr. To our knowledge, this variant has not been reported in the literature. This variant is reported in 0.0062% of alleles in individuals of African descent in gnomAD. At this time, the clinical significance of this variant is uncertain due to the absence of conclusive functional and genetic evidence.

Labcorp Genetics (formerly Invitae), Labcorp
Classification: Uncertain significance for Charcot-Marie-Tooth disease type 2. Last evaluated: 2025-09-30. Review status: criteria provided, single submitter. Criteria: Invitae Variant Classification Sherloc (09022015). Collection method: clinical testing. Allele origin: germline.
Comment: This sequence change replaces alanine, which is neutral and non-polar, with threonine, which is neutral and polar, at codon 335 of the AARS protein (p.Ala335Thr). This variant is present in population databases (rs765846298, gnomAD 0.004%). This variant has not been reported in the literature in individuals affected with AARS-related conditions. ClinVar contains an entry for this variant (Variation ID: 246519). Invitae Evidence Modeling of protein sequence and biophysical properties (such as structural, functional, and spatial information, amino acid conservation, physicochemical variation, residue mobility, and thermodynamic stability) indicates that this missense variant is not expected to disrupt AARS protein function with a negative predictive value of 80%. In summary, the available evidence is currently insufficient to determine the role of this variant in disease. Therefore, it has been classified as a Variant of Uncertain Significance.

Ambry Genetics
Classification: Uncertain significance for Inborn genetic diseases. Last evaluated: 2024-09-04. Review status: criteria provided, single submitter. Criteria: Ambry Variant Classification Scheme 2023. Collection method: clinical testing. Allele origin: germline.

Blueprint Genetics
Classification: Uncertain significance. Last evaluated: 2023-11-30. Review status: criteria provided, single submitter. Criteria: ACMG Guidelines, 2015. Collection method: clinical testing. Allele origin: germline.

GeneDx
Classification: Uncertain significance. Last evaluated: 2023-08-11. Review status: criteria provided, single submitter. Criteria: GeneDx Variant Classification Process June 2021. Collection method: clinical testing. Allele origin: germline. Affected: yes.
Comment: In silico analysis supports that this missense variant has a deleterious effect on protein structure/function; Has not been previously published as pathogenic or benign to our knowledge; This variant is associated with the following publications: (PMID: 25817015)

NM_001605.3(AARS1):c.1003G>A (p.Ala335Thr)

Gene: AARS1 (alanyl-tRNA synthetase 1; minus strand). Cytogenetic location: 16q22.1.
Variant type: single nucleotide variant.
Coding change: c.1003G>A on transcript NM_001605.3 (MANE Select); coding-DNA position 1003, G replaced by A.
Protein change: p.Ala335Thr; replaces alanine 335 with threonine.
Molecular consequence: missense variant.
Genome position (GRCh38, 1-based): chr16:70,268,339, C>T on the plus strand (G>A on the coding strand, the complement: AARS1 is on the minus strand). VCF-style: chr16-70268339-C-T. GRCh37 (hg19) VCF-style: chr16-70302242-C-T.
Other names: short protein forms A335T.
Identifiers: ClinVar variation 246519 (VCV000246519.14), dbSNP rs765846298, ClinGen allele CA8140953.